The following is an entry in ClinVar:

ClinVar aggregate classification (germline): Likely benign. Review status: criteria provided, multiple submitters, no conflicts (2 of 4 stars). 2 submissions from 2 submitters: Likely benign (2). Last evaluated 2025-10-21.

Conditions:
Arterial tortuosity syndrome (ATORS). Identifiers: Orphanet 3342, MedGen C1859726, MONDO:0008818, OMIM 208050.

Submissions (2):

Labcorp Genetics (formerly Invitae), Labcorp
Classification: Likely benign for Arterial tortuosity syndrome. Last evaluated: 2025-10-21. Review status: criteria provided, single submitter. Criteria: Invitae Variant Classification Sherloc (09022015). Collection method: clinical testing. Allele origin: germline.

Women's Health and Genetics/Laboratory Corporation of America, LabCorp
Classification: Likely benign. Last evaluated: 2024-05-08. Review status: criteria provided, single submitter. Criteria: LabCorp Variant Classification Summary - May 2015. Collection method: clinical testing. Allele origin: germline.
Comment: Variant summary: SLC2A10 c.1547+17dupG alters a non-conserved nucleotide located at a position not widely known to affect splicing. Consensus agreement among computation tools predict no significant impact on normal splicing. However, these predictions have yet to be confirmed by functional studies. The variant allele was found at a frequency of 3.6e-05 in 251180 control chromosomes. The available data on variant occurrences in the general population are insufficient to allow any conclusion about variant significance. To our knowledge, no occurrence of c.1547+17dupG in individuals affected with Aortopathy and no experimental evidence demonstrating its impact on protein function have been reported. ClinVar contains an entry for this variant (Variation ID: 2737996). Based on the evidence outlined above, the variant was classified as likely benign.

NM_030777.4(SLC2A10):c.1547+17dup

Gene: SLC2A10 (solute carrier family 2 member 10; plus strand). Cytogenetic location: 20q13.12.
Variant type: Duplication.
Coding change: c.1547+17dup on transcript NM_030777.4 (MANE Select); 17 bases into the intron after coding-DNA position 1547, one base duplicated (G; older notation c.1547+17dupG).
Molecular consequence: intron variant.
Genome position (GRCh38, 1-based): chr20:46,729,505, G duplicated; the last of 3 consecutive G bases (chr20:46,729,503-46,729,505); duplicating any one gives the same sequence. VCF-style (leftmost placement, unchanged base first): chr20-46729502-A-AG. GRCh37 (hg19) VCF-style: chr20-45358141-A-AG.
Other names: c.1547+17dupG (NM_030777.4).
Identifiers: ClinVar variation 2737996 (VCV002737996.4), dbSNP rs761387869, ClinGen allele CA9892245.
Genomic context (GRCh38, chr20:46,729,502, plus strand): 5'-AAAGGCCAGTCGTTGGCAGAGATAGACCAGCAGTTCCAGAAGAGACGGTAGGAAGCTGAC[A>AG]GGGTGGGTCTGGGGGAAGAGCTGTAGCACACCCCAAGCACACAGCTTCAGGATTTTAGTC-3'